The following is an entry in ClinVar:

ClinVar aggregate classification (germline): Conflicting classifications of pathogenicity. Review status: criteria provided, conflicting classifications (1 of 4 stars). 4 submissions from 4 submitters: Uncertain significance (2); Benign (1); Likely benign (1). Last evaluated 2025-07-02.

Conditions:
Familial thoracic aortic aneurysm and aortic dissection (TAAD). Also called: Thoracic aortic aneurysms and dissections. Identifiers: Orphanet 91387, MedGen C4707243, MONDO:0019625.
Melnick-Needles syndrome (MNS). Also called: MELNICK-NEEDLES OSTEODYSPLASTY; Melnick-Needles Syndrome (FLNA-MNS); OSTEODYSPLASTY OF MELNICK AND NEEDLES. Identifiers: Orphanet 2484, MedGen C0025237, MONDO:0010650, OMIM 309350.
Frontometaphyseal dysplasia (FMD1). Identifiers: Orphanet 1826, MedGen C0265293, MONDO:0015942.
Heterotopia, periventricular, X-linked dominant (PVNH1). Also called: PERIVENTRICULAR NODULAR HETEROTOPIA 1; X-linked periventricular heterotopia; PERIVENTRICULAR NODULAR HETEROTOPIA 4; HETEROTOPIA, PERIVENTRICULAR, 1. Identifiers: Orphanet 2149, Orphanet 82004, MedGen C1848213, MONDO:0010233, OMIM 300049.
Oto-palato-digital syndrome, type II (OPD2). Also called: FACIOPALATOOSSEOUS SYNDROME; Otopalatodigital Syndrome Type 2 (FLNA-OPD2); OPD II SYNDROME; Otopalatodigital Syndrome, Type II. Identifiers: Orphanet 669, Orphanet 90652, MedGen C1844696, MONDO:0010571, OMIM 304120.

Allele frequency attached by ClinVar (database versions not stated): gnomAD exomes 0.00001.
gnomAD v4.1: 13 of 1,193,946 alleles (0.0011%); highest among the groups gnomAD compares: Admixed American, 0.0023%; no homozygotes.

Submissions (4):

GeneDx
Classification: Uncertain significance. Last evaluated: 2025-07-02. Review status: criteria provided, single submitter. Criteria: GeneDx Variant Classification Process June 2021. Collection method: clinical testing. Allele origin: germline. Affected: yes.
Comment: In silico analysis suggests that this missense variant does not alter protein structure/function; Identified in a cohort of patients with prune belly syndrome (PBS), but also present in an unaffected sibling (PMID: 32085749); This variant is associated with the following publications: (PMID: 32085749)

Molecular Diagnostic Laboratory for Inherited Cardiovascular Disease, Montreal Heart Institute
Classification: Likely benign. Last evaluated: 2025-04-09. Review status: criteria provided, single submitter. Criteria: ACMG Guidelines, 2015. Collection method: clinical testing. Allele origin: germline. Affected: no.
Comment: BS1, BP4, BP5

Labcorp Genetics (formerly Invitae), Labcorp
Classification: Benign for Oto-palato-digital syndrome, type II; Heterotopia, periventricular, X-linked dominant; Frontometaphyseal dysplasia; Melnick-Needles syndrome. Last evaluated: 2024-10-16. Review status: criteria provided, single submitter. Criteria: Invitae Variant Classification Sherloc (09022015). Collection method: clinical testing. Allele origin: germline.

Ambry Genetics
Classification: Uncertain significance for Familial thoracic aortic aneurysm and aortic dissection. Last evaluated: 2023-12-11. Review status: criteria provided, single submitter. Criteria: Ambry Variant Classification Scheme 2023. Collection method: clinical testing. Allele origin: germline.
Comment: The p.R24L variant (also known as c.71G>T), located in coding exon 1 of the FLNA gene, results from a G to T substitution at nucleotide position 71. The arginine at codon 24 is replaced by leucine, an amino acid with dissimilar properties. Based on data from gnomAD, the T allele has an overall frequency of <0.01% (2/145898) total alleles studied, with 1 hemizygote(s) observed. The highest observed frequency was <0.01% (1/23932) of Latino alleles. This amino acid position is well conserved in available vertebrate species. In addition, this alteration is predicted to be tolerated by in silico analysis. Since supporting evidence is limited at this time, the clinical significance of this alteration remains unclear.

NM_001110556.2(FLNA):c.71G>T (p.Arg24Leu)

Gene: FLNA (filamin A; minus strand). Cytogenetic location: Xq28.
Variant type: single nucleotide variant.
Coding change: c.71G>T on transcript NM_001110556.2 (MANE Select); coding-DNA position 71, G replaced by T.
Protein change: p.Arg24Leu; replaces arginine 24 with leucine.
Molecular consequence: missense variant.
Genome position (GRCh38, 1-based): chrX:154,371,175, C>A on the plus strand (G>T on the coding strand, the complement: FLNA is on the minus strand). VCF-style: chrX-154371175-C-A. GRCh37 (hg19) VCF-style: chrX-153599543-C-A.
Other names: c.71G>T, p.Arg24Leu (NM_001456.4); c.71G>T (NM_001456.3); short protein forms R24L.
Identifiers: ClinVar variation 1433427 (VCV001433427.11), dbSNP rs1350949025, ClinGen allele CA415255698.